The following is an entry in ClinVar:

ClinVar aggregate classification (germline): Uncertain significance. Review status: criteria provided, multiple submitters, no conflicts (2 of 4 stars). 2 submissions from 2 submitters: Uncertain significance (2). Last evaluated 2024-08-17.

Conditions:
Inborn genetic diseases. Identifiers: MedGen C0950123, MeSH D030342.
Cohen syndrome (COH1). Also called: PEPPER SYNDROME; Cutis verticis gyrata, retinitis pigmentosa, and sensorineural deafness. Identifiers: Orphanet 193, MedGen C0265223, MONDO:0008999, OMIM 216550.

Allele frequency attached by ClinVar (database versions not stated): ExAC 0.00001; gnomAD 0.00001; TOPMed 0.00001.
gnomAD v4.1: 40 of 1,613,790 alleles (0.0025%); highest among the groups gnomAD compares: Non-Finnish European, 0.0031%; no homozygotes.

Submissions (2):

Labcorp Genetics (formerly Invitae), Labcorp
Classification: Uncertain significance for Cohen syndrome. Last evaluated: 2024-08-17. Review status: criteria provided, single submitter. Criteria: Invitae Variant Classification Sherloc (09022015). Collection method: clinical testing. Allele origin: germline.
Comment: This sequence change falls in intron 21 of the VPS13B gene. It does not directly change the encoded amino acid sequence of the VPS13B protein. It affects a nucleotide within the consensus splice site. This variant is present in population databases (rs753290752, gnomAD 0.002%). This variant has not been reported in the literature in individuals affected with VPS13B-related conditions. ClinVar contains an entry for this variant (Variation ID: 1727378). Variants that disrupt the consensus splice site are a relatively common cause of aberrant splicing (PMID: 17576681, 9536098). Algorithms developed to predict the effect of sequence changes on RNA splicing suggest that this variant is not likely to affect RNA splicing. In summary, the available evidence is currently insufficient to determine the role of this variant in disease. Therefore, it has been classified as a Variant of Uncertain Significance.

Ambry Genetics
Classification: Uncertain significance for Inborn genetic diseases. Last evaluated: 2017-12-14. Review status: criteria provided, single submitter. Criteria: Ambry Variant Classification Scheme 2023. Collection method: clinical testing. Allele origin: germline.
Comment: The c.3082+5G>A intronic variant results from a G to A substitution 5 nucleotides after N/A in the VPS13B gene. This nucleotide position is well conserved in available vertebrate species. Using the BDGP and ESEfinder splice site prediction tools, this alteration is predicted to slightly weaken the efficiency of the native splice acceptor site; however, direct evidence is unavailable. Since supporting evidence is limited at this time, the clinical significance of this alteration remains unclear.

Literature cited by the submitters: PubMed 17576681 (cited by Labcorp Genetics (formerly Invitae), Labcorp); PubMed 9536098 (cited by Labcorp Genetics (formerly Invitae), Labcorp).

NM_152564.5(VPS13B):c.3082+5G>A

Gene: VPS13B (vacuolar protein sorting 13 homolog B; plus strand). Cytogenetic location: 8q22.2.
Variant type: single nucleotide variant.
Coding change: c.3082+5G>A on transcript NM_152564.5 (MANE Select); 5 bases into the intron after coding-DNA position 3082, G replaced by A.
Molecular consequence: intron variant.
Genome position (GRCh38, 1-based): chr8:99,391,709, G>A. VCF-style: chr8-99391709-G-A. GRCh37 (hg19) VCF-style: chr8-100403937-G-A.
Other names: c.3082+5G>A (NM_017890.5).
Identifiers: ClinVar variation 1727378 (VCV001727378.6), dbSNP rs753290752, ClinGen allele CA4823143.